The following is an entry in ClinVar:

ClinVar aggregate classification (germline): Likely pathogenic (1 of 4 stars; one submission).

Submission:

GeneDx
Classification: Likely pathogenic. Last evaluated: 2017-01-11. Review status: criteria provided, single submitter. Criteria: GeneDx Variant Classification (06012015). Collection method: clinical testing. Allele origin: germline. Affected: yes.
Comment: The c.157_162dupTCTGCC variant in the HBG2 gene has not been reported previously as a pathogenic variant nor as a benign variant, to our knowledge. The c.157_162dupTCTGCC variant causes an in-frame duplication of two amino acids (Serine and Alanine), denoted p.Ser53_Ala54dup. This variant was not observed in approximately 6500 individuals of European and African American ancestry in the NHLBI Exome Sequencing Project, indicating it is not a common benign variant in these populations. We interpret c.157_162dupTCTGCC as a likely pathogenic variant.

NM_000184.3(HBG2):c.151TCTGCC[3] (p.51SA[3])

Genes: HBG2 (hemoglobin subunit gamma 2; minus strand), LOC106099065 (HBG2 recombination region; plus strand). Cytogenetic location: 11p15.4.
Variant type: Microsatellite.
Coding change: c.151TCTGCC[3] on transcript NM_000184.3 (MANE Select); three copies in a row of the 6-base unit TCTGCC starting at c.151; the reference has two copies in a row; one copy, 6 bases duplicated.
Protein change: p.51SA[3].
Molecular consequence: inframe insertion.
Genome position (GRCh38, 1-based): chr11:5,254,445-5,254,450, GGCAGA duplicated on the plus strand (TCTGCC on the coding strand, the reverse complement: HBG2 is on the minus strand); duplicating any 6 consecutive bases within chr11:5,254,445-5,254,458 gives the same sequence; the position shown is the placement nearest the transcript's 3' end. VCF-style (leftmost placement, unchanged base first): chr11-5254444-T-TGGCAGA. GRCh37 (hg19) VCF-style: chr11-5275674-T-TGGCAGA.
Identifiers: ClinVar variation 423096 (VCV000423096.2), dbSNP rs1554922455, ClinGen allele CA16619346.